The following is an entry in ClinVar:

ClinVar aggregate classification (germline): Likely pathogenic. Review status: reviewed by expert panel (3 of 4 stars). 4 submissions from 4 submitters: Likely pathogenic (1). 3 of the submissions do not count toward it. Last evaluated 2022-07-12.

Conditions:
Very long chain acyl-CoA dehydrogenase deficiency (ACADVLD). Also called: VLCAD Deficiency; Very Long-Chain Acyl-Coenzyme A Dehydrogenase Deficiency. Identifiers: Orphanet 26793, MedGen C3887523, MONDO:0008723, OMIM 201475.

Submissions (4):

ClinGen ACADVL Variant Curation Expert Panel, ClinGen
Classification: Likely pathogenic for Very long chain acyl-CoA dehydrogenase deficiency. Last evaluated: 2022-07-12. Review status: reviewed by expert panel. Criteria: clingen acadvl acmg specifications v1. Collection method: curation. Allele origin: germline. Inheritance: Autosomal recessive inheritance.
Comment: The c.1059_1060del, p.(Gly354Hisfs*4) variant in ACADVL is a frameshift predicted to cause a premature stop codon in biologically relevant exon 10/20 leading to nonsense mediated decay in a gene in which loss-of-function is an established disease mechanism (PVS1: PMIDs 9973285, 11590124). This variant is absent from gnomAD v2.1.1 (PM2_Supporting). To our knowledge, this variant has not been reported in the literature in any individuals with VLCADD. To our knowledge, functional assays have not been reported for this variant. In summary, this variant meets the criteria to be classified as LIKELY PATHOGENIC for autosomal recessive very long chain acyl-CoA dehydrogenase (VLCAD) deficiency based on the ACMG/AMP criteria applied, as specified by the ClinGen ACADVL Variant Curation Expert Panel: PVS1, PM2_Supporting (ClinGen ACADVL VCEP specifications version#2.0; approved 07-08-22).

Labcorp Genetics (formerly Invitae), Labcorp
Classification: Pathogenic for Very long chain acyl-CoA dehydrogenase deficiency. Last evaluated: 2024-05-08. Review status: criteria provided, single submitter. Criteria: Invitae Variant Classification Sherloc (09022015). Collection method: clinical testing. Allele origin: germline. Not counted in ClinVar's aggregate classification.
Comment: This sequence change creates a premature translational stop signal (p.Gly354Hisfs*4) in the ACADVL gene. It is expected to result in an absent or disrupted protein product. Loss-of-function variants in ACADVL are known to be pathogenic (PMID: 9973285, 11590124). This variant is not present in population databases (gnomAD no frequency). This variant has not been reported in the literature in individuals affected with ACADVL-related conditions. ClinVar contains an entry for this variant (Variation ID: 932850). For these reasons, this variant has been classified as Pathogenic.

Wong Mito Lab, Molecular and Human Genetics, Baylor College of Medicine
Classification: Pathogenic for Very long chain acyl-CoA dehydrogenase deficiency. Last evaluated: 2019-11-01. Review status: criteria provided, single submitter. Criteria: ACMG Guidelines, 2015. Collection method: clinical testing. Allele origin: germline. Not counted in ClinVar's aggregate classification.
Comment: The NM_000018.3:c.1059_1060delAG (NP_000009.1:p.Gly354HisfsTer4) [GRCH38: NC_000017.11:g.7222847_7222848del] variant in ACADVL gene is interpretated to be Pathogenic based on ACMG guidelines (PMID: 25741868). This variant has been reported. This variant meets the following evidence codes reported in the ACMG guidelines: PVS1, PS3

Juno Genomics, Hangzhou Juno Genomics, Inc
Classification: Likely pathogenic for Very long chain acyl-CoA dehydrogenase deficiency. Review status: criteria provided, single submitter. Criteria: ACMG Guidelines, 2015. Collection method: clinical testing. Allele origin: germline. Not counted in ClinVar's aggregate classification.
Comment: Null variant in a gene where loss of function (LOF) is a known mechanism of disease.;Absent from controls (or at extremely low frequency if recessive) in Genome Aggregation Database.

Literature cited by the submitters: PubMed 9973285 (cited by Labcorp Genetics (formerly Invitae), Labcorp); PubMed 11590124 (cited by Labcorp Genetics (formerly Invitae), Labcorp).

NM_000018.4(ACADVL):c.1059_1060del (p.Gly354fs)

Gene: ACADVL (acyl-CoA dehydrogenase very long chain; plus strand). Cytogenetic location: 17p13.1.
Variant type: Microsatellite.
Coding change: c.1059_1060del on transcript NM_000018.4 (MANE Select); coding-DNA positions 1059 to 1060, 2 bases deleted (AG; older notation c.1059_1060delAG).
Protein change: p.Gly354fs; shifts the reading frame from glycine 354.
Molecular consequence: frameshift variant.
Genome position (GRCh38, 1-based): chr17:7,222,847-7,222,848, AG deleted; deleting any 2 consecutive bases within chr17:7,222,844-7,222,848 gives the same sequence; the c. name uses the placement nearest the transcript's 3' end. VCF-style (leftmost placement, unchanged base first): chr17-7222843-TGA-T. GRCh37 (hg19) VCF-style: chr17-7126162-TGA-T.
Other names: c.993_994del, p.Gly332fs (NM_001033859.3); c.1128_1129del, p.Gly377fs (NM_001270447.2); c.831_832del, p.Gly278fs (NM_001270448.2); short protein forms G377fs, G332fs, G354fs, G278fs.
Identifiers: ClinVar variation 932850 (VCV000932850.9), dbSNP rs1402646371, ClinGen allele CA774743623.
Genomic context (GRCh38, chr17:7,222,843, plus strand): 5'-TTGCCATGCACATCCTCAACAATGGAAGGTTTGGCATGGCTGCGGCCCTGGCAGGTACCA[TGA>T]GAGGCATCATTGCTAAGGCGGTGAGTACCCTGCCCGAGTCCCTAGGTAACCCAAACAGAA-3'